The following is an entry in ClinVar:

NM_203446.3(SYNJ1):c.*594C>G

Gene: SYNJ1 (synaptojanin 1; minus strand). Cytogenetic location: 21q22.11.
Variant type: single nucleotide variant.
Coding change: c.*594C>G on transcript NM_203446.3 (MANE Select); 594 bases downstream of the stop codon, C replaced by G.
Molecular consequence: 3 prime UTR variant. On other transcripts: missense variant (2).
Genome position (GRCh38, 1-based): chr21:32,631,211, G>C on the plus strand (C>G on the coding strand, the complement: SYNJ1 is on the minus strand). VCF-style: chr21-32631211-G-C. GRCh37 (hg19) VCF-style: chr21-34003521-G-C.
Other names: c.*594C>G (NM_001160302.2); c.4365C>G, p.Asp1455Glu (NM_001160306.2); c.4623C>G, p.Asp1541Glu (NM_003895.4); short protein forms D1541E, D1455E.
Identifiers: ClinVar variation 1479133 (VCV001479133.5), dbSNP rs759611619, ClinGen allele CA10003082.

ClinVar aggregate classification (germline): Uncertain significance (1 of 4 stars; one submission).

Conditions:
Developmental and epileptic encephalopathy, 53. Also called: Epileptic encephalopathy, early infantile, 53. Identifiers: MedGen C4479313, MONDO:0033362, OMIM 617389.
Early-onset Parkinson disease 20. Also called: PARKINSON DISEASE 20, AUTOSOMAL RECESSIVE EARLY-ONSET. Identifiers: Orphanet 391411, MedGen C3809824, MONDO:0014233, OMIM 615530.

Allele frequency attached by ClinVar (database versions not stated): gnomAD exomes below 0.00001.
gnomAD v4.1: 1 of 1,614,192 alleles (0.000062%); highest among the groups gnomAD compares: Admixed American, 0.0017%; no homozygotes.

Submission:

Labcorp Genetics (formerly Invitae), Labcorp
Classification: Uncertain significance for Developmental and epileptic encephalopathy, 53; Early-onset Parkinson disease 20. Last evaluated: 2022-01-07. Review status: criteria provided, single submitter. Criteria: Invitae Variant Classification Sherloc (09022015). Collection method: clinical testing. Allele origin: germline.
Comment: Algorithms developed to predict the effect of missense changes on protein structure and function output the following: SIFT: "Tolerated"; PolyPhen-2: "Benign"; Align-GVGD: "Class C0". The glutamic acid amino acid residue is found in multiple mammalian species, which suggests that this missense change does not adversely affect protein function. This sequence change replaces aspartic acid, which is acidic and polar, with glutamic acid, which is acidic and polar, at codon 1541 of the SYNJ1 protein (p.Asp1541Glu). This variant is present in population databases (rs759611619, gnomAD 0.003%). This variant has not been reported in the literature in individuals affected with SYNJ1-related conditions. In summary, the available evidence is currently insufficient to determine the role of this variant in disease. Therefore, it has been classified as a Variant of Uncertain Significance.